The following is an entry in ClinVar:

NM_000158.4(GBE1):c.1322A>G (p.Asp441Gly)

Gene: GBE1 (1,4-alpha-glucan branching enzyme 1; minus strand). Cytogenetic location: 3p12.2.
Variant type: single nucleotide variant.
Coding change: c.1322A>G on transcript NM_000158.4 (MANE Select); coding-DNA position 1322, A replaced by G.
Protein change: p.Asp441Gly; replaces aspartic acid 441 with glycine.
Molecular consequence: missense variant.
Genome position (GRCh38, 1-based): chr3:81,586,105, T>C on the plus strand (A>G on the coding strand, the complement: GBE1 is on the minus strand). VCF-style: chr3-81586105-T-C. GRCh37 (hg19) VCF-style: chr3-81635256-T-C.
Other names: p.Asp441Gly; short protein forms D441G.
Identifiers: ClinVar variation 933561 (VCV000933561.2), dbSNP rs1703799830, ClinGen allele CA353685236.

ClinVar aggregate classification (germline): Uncertain significance. Review status: criteria provided, multiple submitters, no conflicts (2 of 4 stars). 2 submissions from 2 submitters: Uncertain significance (2). Last evaluated 2024-08-20.

Conditions:
Glycogen storage disease, type IV (GSD4). Also called: GBE1 DEFICIENCY; GLYCOGEN BRANCHING ENZYME DEFICIENCY; GLYCOGENOSIS IV; GSD IV; Glycogen storage disease due to glycogen branching enzyme deficiency; AMYLOPECTINOSIS. Identifiers: Orphanet 367, MedGen C0017923, MONDO:0009292, OMIM 232500.
Glycogen storage disease IV, classic hepatic. Also called: GSD IV, CLASSIC HEPATIC. Identifiers: MedGen C1856301.

Allele frequency attached by ClinVar (database versions not stated): gnomAD exomes below 0.00001; TOPMed 0.00001.
gnomAD v4.1: 4 of 1,605,014 alleles (0.00025%); highest among the groups gnomAD compares: Middle Eastern, 0.017%; no homozygotes.

Submissions (2):

Mayo Clinic Laboratories, Mayo Clinic
Classification: Uncertain significance. Last evaluated: 2024-08-20. Review status: criteria provided, single submitter. Criteria: ACMG Guidelines, 2015. Collection method: clinical testing. Allele origin: germline. Observed: 1 variant allele.
Comment: PP3, PM2

Labcorp Genetics (formerly Invitae), Labcorp
Classification: Uncertain significance for Glycogen storage disease, type IV; Glycogen storage disease IV, classic hepatic. Last evaluated: 2019-08-20. Review status: criteria provided, single submitter. Criteria: Invitae Variant Classification Sherloc (09022015). Collection method: clinical testing. Allele origin: germline.
Comment: This sequence change replaces aspartic acid with glycine at codon 441 of the GBE1 protein (p.Asp441Gly). The aspartic acid residue is highly conserved and there is a moderate physicochemical difference between aspartic acid and glycine. This variant is not present in population databases (ExAC no frequency). This variant has not been reported in the literature in individuals with GBE1-related conditions. Algorithms developed to predict the effect of missense changes on protein structure and function are either unavailable or do not agree on the potential impact of this missense change (SIFT: "Deleterious"; PolyPhen-2: "Probably Damaging"; Align-GVGD: "Class C0"). In summary, the available evidence is currently insufficient to determine the role of this variant in disease. Therefore, it has been classified as a Variant of Uncertain Significance.